The following is an entry in ClinVar:

NM_020366.4(RPGRIP1):c.1611G>A (p.Gln537=)

Gene: RPGRIP1 (RPGR interacting protein 1; plus strand). Cytogenetic location: 14q11.2.
Variant type: single nucleotide variant.
Coding change: c.1611G>A on transcript NM_020366.4 (MANE Select); coding-DNA position 1611, G replaced by A.
Protein change: p.Gln537=; no amino-acid change (glutamine 537 retained).
Molecular consequence: synonymous variant.
Genome position (GRCh38, 1-based): chr14:21,321,402, G>A. VCF-style: chr14-21321402-G-A. GRCh37 (hg19) VCF-style: chr14-21789561-G-A.
Other names: c.537G>A, p.Gln179= (NM_001377523.1, NM_001377948.1, NM_001377949.1 and 1 more transcripts); c.39G>A, p.Gln13= (NM_001377951.1).
Identifiers: ClinVar variation 425034 (VCV000425034.45), dbSNP rs1064797181, ClinGen allele CA16621651.

ClinVar aggregate classification (germline): Uncertain significance. Review status: criteria provided, single submitter (1 of 4 stars). 3 submissions from 3 submitters: Uncertain significance (1). 2 of the submissions do not count toward it. Last evaluated 2016-09-01.

Conditions:
Leber congenital amaurosis (LCA). Also called: Leber's amaurosis. Identifiers: Orphanet 65, MedGen C0339527, MeSH D057130, MONDO:0018998.
Leber congenital amaurosis 6 (LCA6). Identifiers: Orphanet 65, MedGen C1854260, MONDO:0013446, OMIM 613826.

Submissions (3):

CeGaT Center for Human Genetics Tuebingen
Classification: Uncertain significance. Last evaluated: 2016-09-01. Review status: criteria provided, single submitter. Criteria: CeGaT Center For Human Genetics Tuebingen Variant Classification Criteria Version 2. Collection method: clinical testing. Allele origin: germline. Affected: yes. Observed: 1 variant allele.

Rui Chen Lab, Baylor College of Medicine
Classification: Pathogenic for Leber congenital amaurosis. Last evaluated: 2017-05-09. Review status: no assertion criteria provided. Collection method: research. Allele origin: germline. Affected: yes. Not counted in ClinVar's aggregate classification.
Comment: An in vitrominigene system was used to confirm that the variant disrupts splicing

Laboratory of Genetics in Ophthalmology, Institut Imagine
Classification: Pathogenic for Leber congenital amaurosis 6. Review status: no assertion criteria provided. Collection method: research. Allele origin: inherited. Affected: yes. Observed: 1 variant allele. Not counted in ClinVar's aggregate classification.

Literature cited by the submitters: PubMed 28714225 (cited by Laboratory of Genetics in Ophthalmology, Institut Imagine).